The following is an entry in ClinVar:

ClinVar aggregate classification (germline): Likely benign. Review status: criteria provided, multiple submitters, no conflicts (2 of 4 stars). 2 submissions from 2 submitters: Likely benign (2). Last evaluated 2025-09-01.

Allele frequency attached by ClinVar (database versions not stated): gnomAD 0.00001; gnomAD exomes 0.00001 and 0.00003; TOPMed 0.00002; ExAC 0.00003.
gnomAD v4.1: 49 of 1,605,316 alleles (0.0031%); highest among the groups gnomAD compares: Non-Finnish European, 0.0038%; no homozygotes.

Submissions (2):

CeGaT Center for Human Genetics Tuebingen
Classification: Likely benign. Last evaluated: 2025-09-01. Review status: criteria provided, single submitter. Criteria: CeGaT Center For Human Genetics Tuebingen Variant Classification Criteria Version 2. Collection method: clinical testing. Allele origin: germline. Affected: yes. Observed: 1 variant allele.
Comment: PTPN23: BP4, BP7

Labcorp Genetics (formerly Invitae), Labcorp
Classification: Likely benign. Last evaluated: 2025-07-06. Review status: criteria provided, single submitter. Criteria: Invitae Variant Classification Sherloc (09022015). Collection method: clinical testing. Allele origin: germline.

NM_015466.4(PTPN23):c.2526C>T (p.Gly842=)

Gene: PTPN23 (protein tyrosine phosphatase non-receptor type 23; plus strand). Cytogenetic location: 3p21.31.
Variant type: single nucleotide variant.
Coding change: c.2526C>T on transcript NM_015466.4 (MANE Select); coding-DNA position 2526, C replaced by T.
Protein change: p.Gly842=; no amino-acid change (glycine 842 retained).
Molecular consequence: synonymous variant.
Genome position (GRCh38, 1-based): chr3:47,410,324, C>T. VCF-style: chr3-47410324-C-T. GRCh37 (hg19) VCF-style: chr3-47451814-C-T.
Other names: c.2148C>T, p.Gly716= (NM_001304482.2).
Identifiers: ClinVar variation 1357073 (VCV001357073.13), dbSNP rs778678389, ClinGen allele CA2366068.